The following is an entry in ClinVar:

NM_001029896.2(WDR45):c.982G>A (p.Val328Ile)

Gene: WDR45 (WD repeat domain 45; minus strand). Cytogenetic location: Xp11.23.
Variant type: single nucleotide variant.
Coding change: c.982G>A on transcript NM_001029896.2 (MANE Select); coding-DNA position 982, G replaced by A.
Protein change: p.Val328Ile; replaces valine 328 with isoleucine.
Molecular consequence: missense variant.
Genome position (GRCh38, 1-based): chrX:49,074,904, C>T on the plus strand (G>A on the coding strand, the complement: WDR45 is on the minus strand). VCF-style: chrX-49074904-C-T. GRCh37 (hg19) VCF-style: chrX-48932563-C-T.
Other names: c.985G>A, p.Val329Ile (NM_007075.4); short protein forms V328I, V329I.
Identifiers: ClinVar variation 4634705 (VCV004634705.2).

ClinVar aggregate classification (germline): Conflicting classifications of pathogenicity. Review status: criteria provided, conflicting classifications (1 of 4 stars). 2 submissions from 2 submitters: Uncertain significance (1); Likely benign (1). Last evaluated 2025-10-21.

Conditions:
Inborn genetic diseases. Identifiers: MedGen C0950123, MeSH D030342.
Neurodegeneration with brain iron accumulation 5 (NBIA5). Also called: Beta-propeller protein-associated neurodegeneration; STATIC ENCEPHALOPATHY OF CHILDHOOD WITH NEURODEGENERATION IN ADULTHOOD. Identifiers: Orphanet 329284, MedGen C3550973, MONDO:0010476, OMIM 300894.

gnomAD v4.1: 11 of 1,206,396 alleles (0.00091%); highest among the groups gnomAD compares: East Asian, 0.003%; no homozygotes.

Submissions (2):

Ambry Genetics
Classification: Likely benign for Inborn genetic diseases. Last evaluated: 2025-10-21. Review status: criteria provided, single submitter. Criteria: Ambry Variant Classification Scheme 2023. Collection method: clinical testing. Allele origin: germline.

Labcorp Genetics (formerly Invitae), Labcorp
Classification: Uncertain significance for Neurodegeneration with brain iron accumulation 5. Last evaluated: 2025-09-23. Review status: criteria provided, single submitter. Criteria: Invitae Variant Classification Sherloc (09022015). Collection method: clinical testing. Allele origin: germline.
Comment: This sequence change replaces valine, which is neutral and non-polar, with isoleucine, which is neutral and non-polar, at codon 329 of the WDR45 protein (p.Val329Ile). This variant is present in population databases (rs781933055, gnomAD 0.005%). This variant has not been reported in the literature in individuals affected with WDR45-related conditions. Invitae Evidence Modeling of protein sequence and biophysical properties (such as structural, functional, and spatial information, amino acid conservation, physicochemical variation, residue mobility, and thermodynamic stability) indicates that this missense variant is not expected to disrupt WDR45 protein function with a negative predictive value of 80%. In summary, the available evidence is currently insufficient to determine the role of this variant in disease. Therefore, it has been classified as a Variant of Uncertain Significance.